The following is an entry in ClinVar:

ClinVar aggregate classification (germline): Uncertain significance. Review status: criteria provided, multiple submitters, no conflicts (2 of 4 stars). 3 submissions from 3 submitters: Uncertain significance (3). Last evaluated 2025-05-11.

Conditions:
Cardiovascular phenotype. Identifiers: MedGen CN230736.
Cutis laxa, autosomal recessive, type 1B (ARCL1B). Also called: CUTIS LAXA, AUTOSOMAL RECESSIVE, TYPE IB; EFEMP2-Related Cutis Laxa. Identifiers: Orphanet 90349, MedGen C3280798, MONDO:0013754, OMIM 614437. Disease mechanism: loss of function.

Allele frequency attached by ClinVar (database versions not stated): ExAC 0.00001; gnomAD 0.00001; gnomAD exomes 0.00001; TOPMed 0.00002.
gnomAD v4.1: 9 of 1,613,886 alleles (0.00056%); highest among the groups gnomAD compares: Non-Finnish European, 0.00076%; no homozygotes.

Submissions (3):

GeneDx
Classification: Uncertain significance. Last evaluated: 2025-05-11. Review status: criteria provided, single submitter. Criteria: GeneDx Variant Classification Process June 2021. Collection method: clinical testing. Allele origin: germline. Affected: yes.
Comment: Not observed at significant frequency in large population cohorts (gnomAD); In silico analysis supports that this missense variant has a deleterious effect on protein structure/function; Has not been previously published as pathogenic or benign to our knowledge

Ambry Genetics
Classification: Uncertain significance for Cardiovascular phenotype. Last evaluated: 2021-09-09. Review status: criteria provided, single submitter. Criteria: Ambry Variant Classification Scheme 2023. Collection method: clinical testing. Allele origin: germline.
Comment: The p.R279H variant (also known as c.836G>A), located in coding exon 7 of the EFEMP2 gene, results from a G to A substitution at nucleotide position 836. The arginine at codon 279 is replaced by histidine, an amino acid with highly similar properties. This amino acid position is conserved. In addition, the in silico prediction for this alteration is inconclusive. Since supporting evidence is limited at this time, the clinical significance of this alteration remains unclear.

Labcorp Genetics (formerly Invitae), Labcorp
Classification: Uncertain significance for Cutis laxa, autosomal recessive, type 1B. Last evaluated: 2019-11-25. Review status: criteria provided, single submitter. Criteria: Invitae Variant Classification Sherloc (09022015). Collection method: clinical testing. Allele origin: germline.
Comment: This sequence change replaces arginine with histidine at codon 279 of the EFEMP2 protein (p.Arg279His). The arginine residue is highly conserved and there is a small physicochemical difference between arginine and histidine. This variant is present in population databases (rs756905509, ExAC 0.002%). This variant has not been reported in the literature in individuals with EFEMP2-related conditions. Algorithms developed to predict the effect of missense changes on protein structure and function (SIFT, PolyPhen-2, Align-GVGD) all suggest that this variant is likely to be disruptive, but these predictions have not been confirmed by published functional studies and their clinical significance is uncertain. In summary, the available evidence is currently insufficient to determine the role of this variant in disease. Therefore, it has been classified as a Variant of Uncertain Significance.

NM_016938.5(EFEMP2):c.836G>A (p.Arg279His)

Gene: EFEMP2 (EGF-like fibulin extracellular matrix protein 2; minus strand). Cytogenetic location: 11q13.1.
Variant type: single nucleotide variant.
Coding change: c.836G>A on transcript NM_016938.5 (MANE Select); coding-DNA position 836, G replaced by A.
Protein change: p.Arg279His; replaces arginine 279 with histidine.
Molecular consequence: missense variant. On other transcripts: non-coding transcript variant (1).
Genome position (GRCh38, 1-based): chr11:65,868,521, C>T on the plus strand (G>A on the coding strand, the complement: EFEMP2 is on the minus strand). VCF-style: chr11-65868521-C-T. GRCh37 (hg19) VCF-style: chr11-65635992-C-T.
Other names: short protein forms R279H.
Identifiers: ClinVar variation 845850 (VCV000845850.11), dbSNP rs756905509, ClinGen allele CA6110520.